The following is an entry in ClinVar:

NM_022089.4(ATP13A2):c.3050T>G (p.Leu1017Arg)

Gene: ATP13A2 (ATPase cation transporting 13A2; minus strand). Cytogenetic location: 1p36.13.
Variant type: single nucleotide variant.
Coding change: c.3050T>G on transcript NM_022089.4 (MANE Select); coding-DNA position 3050, T replaced by G.
Protein change: p.Leu1017Arg; replaces leucine 1017 with arginine.
Molecular consequence: missense variant.
Genome position (GRCh38, 1-based): chr1:16,987,079, A>C on the plus strand (T>G on the coding strand, the complement: ATP13A2 is on the minus strand). VCF-style: chr1-16987079-A-C. GRCh37 (hg19) VCF-style: chr1-17313574-A-C.
Other names: p.Leu1017Arg; c.3035T>G, p.Leu1012Arg (NM_001141973.3); c.2918T>G, p.Leu973Arg (NM_001141974.3); short protein forms L973R, L1017R, L1012R.
Identifiers: ClinVar variation 4540810 (VCV004540810.1).

ClinVar aggregate classification (germline): Uncertain significance (1 of 4 stars; one submission).

Submission:

Mayo Clinic Laboratories, Mayo Clinic
Classification: Uncertain significance. Last evaluated: 2025-06-24. Review status: criteria provided, single submitter. Criteria: ACMG Guidelines, 2015. Collection method: clinical testing. Allele origin: germline. Observed: 1 variant allele.
Comment: PP3_moderate, PM2_supporting